The following is an entry in ClinVar:

NM_001267550.2(TTN):c.67444C>T (p.Arg22482Trp)

Genes: TTN (titin; minus strand), TTN-AS1 (TTN antisense RNA 1; plus strand), LOC126806423 (CDK7 strongly-dependent group 2 enhancer GRCh37_chr2:179443309-179444508; plus strand). Cytogenetic location: 2q31.2.
Variant type: single nucleotide variant.
Coding change: c.67444C>T on transcript NM_001267550.2 (MANE Select); coding-DNA position 67444, C replaced by T.
Protein change: p.Arg22482Trp; replaces arginine 22482 with tryptophan.
Molecular consequence: missense variant.
Genome position (GRCh38, 1-based): chr2:178,579,753, G>A on the plus strand (C>T on the coding strand, the complement: TTN is on the minus strand). VCF-style: chr2-178579753-G-A. GRCh37 (hg19) VCF-style: chr2-179444480-G-A.
Other names: c.62521C>T, p.Arg20841Trp (NM_001256850.1); c.59740C>T, p.Arg19914Trp (NM_133378.4); c.40249C>T, p.Arg13417Trp (NM_003319.4); c.40624C>T, p.Arg13542Trp (NM_133432.3); c.40825C>T, p.Arg13609Trp (NM_133437.4); short protein forms R19914W, R22482W, R20841W, R13417W, R13542W, R13609W.
Identifiers: ClinVar variation 165881 (VCV000165881.24), dbSNP rs563233842, ClinGen allele CA178574.

ClinVar aggregate classification (germline): Conflicting classifications of pathogenicity. Review status: criteria provided, conflicting classifications (1 of 4 stars). 9 submissions from 9 submitters: Uncertain significance (2); Benign (2); Likely benign (4). 1 of the submissions does not count toward it. Last evaluated 2026-02-02.

Conditions:
TTN-related disorder. Also called: TTN-related condition; TTN-related disease; TTN-related disorders.
Cardiomyopathy (CMYO). Also called: Cardiomyopathies. Identifiers: Orphanet 167848, MedGen C0878544, MONDO:0004994, HP:0001638. Inheritance: Various modes of inheritance.
Cardiovascular phenotype. Identifiers: MedGen CN230736.
Autosomal recessive limb-girdle muscular dystrophy type 2J (LGMDR10). Also called: Limb-girdle muscular dystrophy, type 2J; MUSCULAR DYSTROPHY, LIMB-GIRDLE, AUTOSOMAL RECESSIVE 10. Identifiers: Orphanet 140922, MedGen C1837342, MONDO:0012127, OMIM 608807.
Dilated cardiomyopathy 1G (CMD1G). Identifiers: Orphanet 154, MedGen C1858763, MONDO:0011400, OMIM 604145.

Allele frequency attached by ClinVar (database versions not stated): gnomAD 0.00002 and 0.00018; TOPMed 0.00007; gnomAD exomes 0.00022 and 0.00048; ExAC 0.00055; 1000 Genomes Project 30x 0.00125; 1000 Genomes Project 0.00140.
gnomAD v4.1: 350 of 1,613,162 alleles (0.022%); highest among the groups gnomAD compares: South Asian, 0.34%; 5 homozygotes.

Submissions (9):

Labcorp Genetics (formerly Invitae), Labcorp
Classification: Likely benign for Dilated cardiomyopathy 1G; Autosomal recessive limb-girdle muscular dystrophy type 2J. Last evaluated: 2026-02-02. Review status: criteria provided, single submitter. Criteria: Invitae Variant Classification Sherloc (09022015). Collection method: clinical testing. Allele origin: germline.

Revvity Omics, Revvity
Classification: Uncertain significance. Last evaluated: 2025-06-24. Review status: criteria provided, single submitter. Criteria: ACMG Guidelines, 2015. Collection method: clinical testing. Allele origin: germline.

Blueprint Genetics
Classification: Likely benign. Last evaluated: 2024-03-07. Review status: criteria provided, single submitter. Criteria: ACMG Guidelines, 2015. Collection method: clinical testing. Allele origin: germline.

Ambry Genetics
Classification: Benign for Cardiovascular phenotype. Last evaluated: 2020-09-16. Review status: criteria provided, single submitter. Criteria: Ambry Variant Classification Scheme 2023. Collection method: clinical testing. Allele origin: germline.

GeneDx
Classification: Likely benign. Last evaluated: 2017-12-13. Review status: criteria provided, single submitter. Criteria: GeneDx Variant Classification (06012015). Collection method: clinical testing. Allele origin: germline. Affected: yes.
Comment: This variant is considered likely benign or benign based on one or more of the following criteria: it is a conservative change, it occurs at a poorly conserved position in the protein, it is predicted to be benign by multiple in silico algorithms, and/or has population frequency not consistent with disease.

CHEO Genetics Diagnostic Laboratory, Children's Hospital of Eastern Ontario
Classification: Benign for Cardiomyopathy. Last evaluated: 2017-10-30. Review status: criteria provided, single submitter. Criteria: ACMG Guidelines, 2015. Collection method: clinical testing. Allele origin: germline. Study: Canadian Open Genetics Repository.

Laboratory for Molecular Medicine, Mass General Brigham Personalized Medicine
Classification: Likely benign. Last evaluated: 2014-12-17. Review status: criteria provided, single submitter. Criteria: LMM Criteria. Collection method: clinical testing. Allele origin: germline. Observed: 1 variant allele.
Comment: p.Arg19914Trp in exon 268 of TTN: This variant is not expected to have clinical significance it has been identified in 0.4% (65/16614) of South Asian chromosome s by the Exome Aggregation Consortium (ExAC).

Biesecker Lab/Clinical Genomics Section, National Institutes of Health
Classification: Uncertain significance. Last evaluated: 2013-06-24. Review status: criteria provided, single submitter. Criteria: Ng et al. (Circ Cardiovasc Genet. 2013). Collection method: research. Allele origin: unknown. Observed: 1 variant allele. Study: ClinSeq.
Comment: The study set was not selected for affection status in relation to any cancer. Pathogenicity categories were based on literature curation. See Pubmed ID:23861362 for details.

Medical sequencing

PreventionGenetics, part of Exact Sciences
Classification: Likely benign for TTN-related condition. Last evaluated: 2022-12-28. Review status: no assertion criteria provided. Collection method: clinical testing. Allele origin: germline. Not counted in ClinVar's aggregate classification.
Comment: This variant is classified as likely benign based on ACMG/AMP sequence variant interpretation guidelines (Richards et al. 2015 PMID: 25741868, with internal and published modifications).